The following is an entry in ClinVar:

NM_004493.3(HSD17B10):c.59C>T (p.Ser20Leu)

Gene: HSD17B10 (hydroxysteroid 17-beta dehydrogenase 10; minus strand). Cytogenetic location: Xp11.22.
Variant type: single nucleotide variant.
Coding change: c.59C>T on transcript NM_004493.3 (MANE Select); coding-DNA position 59, C replaced by T.
Protein change: p.Ser20Leu; replaces serine 20 with leucine.
Molecular consequence: missense variant.
Genome position (GRCh38, 1-based): chrX:53,433,855, G>A on the plus strand (C>T on the coding strand, the complement: HSD17B10 is on the minus strand). VCF-style: chrX-53433855-G-A. GRCh37 (hg19) VCF-style: chrX-53460802-G-A.
Other names: c.59C>T, p.Ser20Leu (NM_001037811.2); short protein forms S20L.
Identifiers: ClinVar variation 3339520 (VCV003339520.2).

ClinVar aggregate classification (germline): Likely pathogenic (1 of 4 stars; one submission).

Conditions:
HSD10 mitochondrial disease (HSD10MD). Also called: HSD10 disease; Chorioathetosis with Mental Retardation and Abnormal Behavior; 2-METHYL-3-HYDROXYBUTYRYL-CoA DEHYDROGENASE DEFICIENCY; 2-methyl-3-hydroxybutyric aciduria; HSD10 deficiency; 3H2MBD deficiency. Identifiers: Orphanet 391417, Orphanet 85295, MedGen C3266731, MONDO:0010327, OMIM 300438. Disease mechanism: loss of function.

Submission:

Lab of Hepatology and Endocrinology, Hunan Children's Hospital
Classification: Likely pathogenic for HSD10 mitochondrial disease. Review status: criteria provided, single submitter. Criteria: ACMG Guidelines, 2015. Collection method: clinical testing. Allele origin: de novo. Affected: yes.
Comment: The HSD17B10 gene c.59C>T(p.S20L) variant has not been reported in relevant clinical cases. So far, this variant has a low frequency in reference population gene database. The region where the variant is located is an important component of this protein, and the amino acid sequence is highly conserved across species. Computer-assisted analysis predicts a higher likelihood that this variant affects protein structure/function. Taken together with the clinical presentation of the subject and the family analysis, this variant was classified as ‘likely pathogenic’ according to the ACMG Variant Classification Guidelines (PMID: 25741868, 31690835).